The following is an entry in ClinVar:

ClinVar aggregate classification (germline): Uncertain significance. Review status: criteria provided, multiple submitters, no conflicts (2 of 4 stars). 6 submissions from 6 submitters: Uncertain significance (6). Last evaluated 2026-02-03.

Conditions:
Autosomal recessive cutis laxa type 2B (ARCL2B). Also called: CUTIS LAXA, AUTOSOMAL RECESSIVE, TYPE IIB; CUTIS LAXA WITH PROGEROID FEATURES. Identifiers: Orphanet 357064, MedGen C2751987, MONDO:0013051, OMIM 612940. Disease mechanism: loss of function.
PYCR1-related de Barsy syndrome. Also called: CUTIS LAXA, AUTOSOMAL RECESSIVE, TYPE IIIB; DE BARSY SYNDROME B. Identifiers: Orphanet 293633, Orphanet 2962, MedGen C3280799, MONDO:0013755, OMIM 614438.
Inborn genetic diseases. Identifiers: MedGen C0950123, MeSH D030342.
Cutis laxa. Identifiers: Orphanet 209, MedGen C0010495, MONDO:0016175, HP:0000973.

Allele frequency attached by ClinVar (database versions not stated): ExAC 0.00014; gnomAD exomes 0.00015; gnomAD 0.00022 and 0.00024; TOPMed 0.00027; ESP Exome Variant Server 0.00031.
gnomAD v4.1: 596 of 1,609,342 alleles (0.037%); highest among the groups gnomAD compares: Non-Finnish European, 0.048%; no homozygotes.

Submissions (6):

Labcorp Genetics (formerly Invitae), Labcorp
Classification: Uncertain significance. Last evaluated: 2026-02-03. Review status: criteria provided, single submitter. Criteria: Invitae Variant Classification Sherloc (09022015). Collection method: clinical testing. Allele origin: germline.
Comment: This sequence change replaces valine, which is neutral and non-polar, with isoleucine, which is neutral and non-polar, at codon 170 of the PYCR1 protein (p.Val170Ile). This variant is present in population databases (rs199585131, gnomAD 0.03%). This variant has not been reported in the literature in individuals affected with PYCR1-related conditions. ClinVar contains an entry for this variant (Variation ID: 890150). Invitae Evidence Modeling of protein sequence and biophysical properties (such as structural, functional, and spatial information, amino acid conservation, physicochemical variation, residue mobility, and thermodynamic stability) indicates that this missense variant is not expected to disrupt PYCR1 protein function with a negative predictive value of 80%. In summary, the available evidence is currently insufficient to determine the role of this variant in disease. Therefore, it has been classified as a Variant of Uncertain Significance.

GeneDx
Classification: Uncertain significance. Last evaluated: 2022-09-27. Review status: criteria provided, single submitter. Criteria: GeneDx Variant Classification Process June 2021. Collection method: clinical testing. Allele origin: germline. Affected: yes.
Comment: In silico analysis supports that this missense variant does not alter protein structure/function; Has not been previously published as pathogenic or benign to our knowledge

CeGaT Center for Human Genetics Tuebingen
Classification: Uncertain significance. Last evaluated: 2022-08-01. Review status: criteria provided, single submitter. Criteria: CeGaT Center For Human Genetics Tuebingen Variant Classification Criteria Version 2. Collection method: clinical testing. Allele origin: germline. Affected: yes. Observed: 1 variant allele.

Fulgent Genetics
Classification: Uncertain significance for Autosomal recessive cutis laxa type 2B; PYCR1-related de Barsy syndrome. Last evaluated: 2022-05-19. Review status: criteria provided, single submitter. Criteria: ACMG Guidelines, 2015. Collection method: clinical testing. Allele origin: unknown.

Ambry Genetics
Classification: Uncertain significance for Inborn genetic diseases. Last evaluated: 2021-06-29. Review status: criteria provided, single submitter. Criteria: Ambry Variant Classification Scheme 2023. Collection method: clinical testing. Allele origin: germline.

Illumina Laboratory Services, Illumina
Classification: Uncertain significance for Cutis laxa. Last evaluated: 2018-01-13. Review status: criteria provided, single submitter. Criteria: ICSL Variant Classification Criteria 13 December 2019. Collection method: clinical testing. Allele origin: germline.

NM_006907.4(PYCR1):c.508G>A (p.Val170Ile)

Gene: PYCR1 (pyrroline-5-carboxylate reductase 1; minus strand). Cytogenetic location: 17q25.3.
Variant type: single nucleotide variant.
Coding change: c.508G>A on transcript NM_006907.4 (MANE Select); coding-DNA position 508, G replaced by A.
Protein change: p.Val170Ile; replaces valine 170 with isoleucine.
Molecular consequence: missense variant.
Genome position (GRCh38, 1-based): chr17:81,934,958, C>T on the plus strand (G>A on the coding strand, the complement: PYCR1 is on the minus strand). VCF-style: chr17-81934958-C-T. GRCh37 (hg19) VCF-style: chr17-79892834-C-T.
Other names: c.508G>A, p.Val170Ile (NM_001282279.2, NM_001282280.2, NM_001330523.2 and 1 more transcripts); c.589G>A, p.Val197Ile (NM_001282281.2); short protein forms V197I, V170I.
Identifiers: ClinVar variation 890150 (VCV000890150.43), dbSNP rs199585131, ClinGen allele CA8845427.